The following is an entry in ClinVar:

ClinVar aggregate classification (germline): Uncertain significance (1 of 4 stars; one submission).

Conditions:
Pierson syndrome. Also called: MICROCORIA-CONGENITAL NEPHROTIC SYNDROME. Identifiers: Orphanet 2670, MedGen C1836876, MONDO:0012184, OMIM 609049.
LAMB2-related infantile-onset nephrotic syndrome. Also called: Nephrotic Syndrome, type 5; NEPHROTIC SYNDROME, TYPE 5, WITHOUT OCULAR ABNORMALITIES; NEPHROTIC SYNDROME, TYPE 5, WITH OCULAR ABNORMALITIES. Identifiers: Orphanet 306507, MedGen C3280113, MONDO:0013621, OMIM 614199.

Submission:

Labcorp Genetics (formerly Invitae), Labcorp
Classification: Uncertain significance for LAMB2-related infantile-onset nephrotic syndrome; Pierson syndrome. Last evaluated: 2022-02-14. Review status: criteria provided, single submitter. Criteria: Invitae Variant Classification Sherloc (09022015). Collection method: clinical testing. Allele origin: germline.
Comment: In summary, the available evidence is currently insufficient to determine the role of this variant in disease. Therefore, it has been classified as a Variant of Uncertain Significance. Algorithms developed to predict the effect of missense changes on protein structure and function are either unavailable or do not agree on the potential impact of this missense change (SIFT: "Deleterious"; PolyPhen-2: "Probably Damaging"; Align-GVGD: "Class C15"). This variant has not been reported in the literature in individuals affected with LAMB2-related conditions. This variant is not present in population databases (gnomAD no frequency). This sequence change replaces aspartic acid, which is acidic and polar, with asparagine, which is neutral and polar, at codon 261 of the LAMB2 protein (p.Asp261Asn).

NM_002292.4(LAMB2):c.781G>A (p.Asp261Asn)

Gene: LAMB2 (laminin subunit beta 2; minus strand). Cytogenetic location: 3p21.31.
Variant type: single nucleotide variant.
Coding change: c.781G>A on transcript NM_002292.4 (MANE Select); coding-DNA position 781, G replaced by A.
Protein change: p.Asp261Asn; replaces aspartic acid 261 with asparagine.
Molecular consequence: missense variant.
Genome position (GRCh38, 1-based): chr3:49,131,084, C>T on the plus strand (G>A on the coding strand, the complement: LAMB2 is on the minus strand). VCF-style: chr3-49131084-C-T. GRCh37 (hg19) VCF-style: chr3-49168517-C-T.
Other names: short protein forms D261N.
Identifiers: ClinVar variation 2146821 (VCV002146821.4), dbSNP rs2045476319, ClinGen allele CA352747769.